The following is an entry in ClinVar:

ClinVar aggregate classification (germline): Conflicting classifications of pathogenicity. Review status: criteria provided, conflicting classifications (1 of 4 stars). 3 submissions from 3 submitters: Uncertain significance (2); Likely benign (1). Last evaluated 2024-07-05.

Conditions:
Hereditary cancer-predisposing syndrome. Also called: Hereditary neoplastic syndrome; Neoplastic Syndromes, Hereditary; Tumor predisposition; Hereditary Cancer Syndrome. Identifiers: Orphanet 140162, MedGen C0027672, MeSH D009386, MONDO:0015356.
Hereditary diffuse gastric adenocarcinoma (HDGC). Also called: DIFFUSE GASTRIC AND LOBULAR BREAST CANCER SYNDROME. Identifiers: Orphanet 26106, MedGen C1708349, MONDO:0007648, OMIM 137215.

Allele frequency attached by ClinVar (database versions not stated): gnomAD exomes below 0.00001 and 0.00001.
gnomAD v4.1: 14 of 1,614,000 alleles (0.00087%); highest among the groups gnomAD compares: Non-Finnish European, 0.0011%; no homozygotes.

Submissions (3):

Ambry Genetics
Classification: Likely benign for Hereditary cancer-predisposing syndrome. Last evaluated: 2024-07-05. Review status: criteria provided, single submitter. Criteria: Ambry Variant Classification Scheme 2023. Collection method: clinical testing. Allele origin: germline.

Labcorp Genetics (formerly Invitae), Labcorp
Classification: Uncertain significance for Hereditary diffuse gastric adenocarcinoma. Last evaluated: 2024-05-01. Review status: criteria provided, single submitter. Criteria: Invitae Variant Classification Sherloc (09022015). Collection method: clinical testing. Allele origin: germline.
Comment: This sequence change replaces lysine, which is basic and polar, with arginine, which is basic and polar, at codon 557 of the CDH1 protein (p.Lys557Arg). This variant is present in population databases (no rsID available, gnomAD 0.003%). This variant has not been reported in the literature in individuals affected with CDH1-related conditions. ClinVar contains an entry for this variant (Variation ID: 1025529). Algorithms developed to predict the effect of missense changes on protein structure and function output the following: SIFT: "Not Available"; PolyPhen-2: "Benign"; Align-GVGD: "Not Available". The arginine amino acid residue is found in multiple mammalian species, which suggests that this missense change does not adversely affect protein function. In summary, the available evidence is currently insufficient to determine the role of this variant in disease. Therefore, it has been classified as a Variant of Uncertain Significance.

GeneDx
Classification: Uncertain significance. Last evaluated: 2023-05-23. Review status: criteria provided, single submitter. Criteria: GeneDx Variant Classification Process June 2021. Collection method: clinical testing. Allele origin: germline. Affected: yes.
Comment: Not observed at significant frequency in large population cohorts (gnomAD); In silico analysis supports that this missense variant does not alter protein structure/function; Has not been previously published as pathogenic or benign to our knowledge; This variant is associated with the following publications: (PMID: 15235021, 22850631, 33237286)

NM_004360.5(CDH1):c.1670A>G (p.Lys557Arg)

Gene: CDH1 (cadherin 1; plus strand). Cytogenetic location: 16q22.1.
Variant type: single nucleotide variant.
Coding change: c.1670A>G on transcript NM_004360.5 (MANE Select); coding-DNA position 1670, A replaced by G.
Protein change: p.Lys557Arg; replaces lysine 557 with arginine.
Molecular consequence: missense variant. On other transcripts: intron variant (1).
Genome position (GRCh38, 1-based): chr16:68,819,384, A>G. VCF-style: chr16-68819384-A-G. GRCh37 (hg19) VCF-style: chr16-68853287-A-G.
Other names: c.1487A>G, p.Lys496Arg (NM_001317184.2); c.122A>G, p.Lys41Arg (NM_001317185.2); c.-254-2617A>G (NM_001317186.2); short protein forms K41R, K496R, K557R.
Identifiers: ClinVar variation 1025529 (VCV001025529.14), dbSNP rs1173188736, ClinGen allele CA396465304.